The following is an entry in ClinVar:

NM_014795.4(ZEB2):c.477T>G (p.His159Gln)

Gene: ZEB2 (zinc finger E-box binding homeobox 2; minus strand). Cytogenetic location: 2q22.3.
Variant type: single nucleotide variant.
Coding change: c.477T>G on transcript NM_014795.4 (MANE Select); coding-DNA position 477, T replaced by G.
Protein change: p.His159Gln; replaces histidine 159 with glutamine.
Molecular consequence: missense variant.
Genome position (GRCh38, 1-based): chr2:144,404,951, A>C on the plus strand (T>G on the coding strand, the complement: ZEB2 is on the minus strand). VCF-style: chr2-144404951-A-C. GRCh37 (hg19) VCF-style: chr2-145162518-A-C.
Other names: p.H159Q:CAT>CAG; c.405T>G, p.His135Gln (NM_001171653.2); short protein forms H159Q, H135Q.
Identifiers: ClinVar variation 181727 (VCV000181727.2), dbSNP rs730881188, ClinGen allele CA297585.
Genomic context (GRCh38, chr2:144,404,951, plus strand): 5'-GGCTTCTGGGTAAATAATGGCTGTGTCACTGCGCTGAAGGTACTCCTCGATGCTGACTGC[A>C]TGACCATCGCGTTCCTCCAGTTTTCTTTTGGCAAAGTATTCCTCAAAATCTGATGTGCAA-3'
Protein context (NP_055610.1, residues 149-169): AKRKLEERDG[His159Gln]AVSIEEYLQR

ClinVar aggregate classification (germline): Uncertain significance (1 of 4 stars; one submission).

Submission:

GeneDx
Classification: Uncertain significance. Last evaluated: 2013-07-12. Review status: criteria provided, single submitter. Criteria: GeneDx Variant Classification (06012015). Collection method: clinical testing. Allele origin: germline. Affected: yes.
Comment: This variant is denoted as p.His159Gln at the protein level, c.477 T>G at the cDNA level, and results in the change of a Histidine to a Glutamate (CAT>CAG) in exon 5 of the ZEB2 gene (NM_014795.2). The His159Gln missense change has not been published as a mutation, nor has it been reported as a benign polymorphism to our knowledge. It was not observed in approximately 6,500 individuals of European and African American ancestry in the NHLBI Exome Sequencing Project, indicating it is not a common benign variant in these populations. His159Gln is a non-conservative amino acid substitution as a positively charged Histidine residue is replaced with an uncharged Glutamine residue. The variant occurs at a position that is conserved through mammals but is not conserved in more distant species. Additionally, missense mutations in the ZEB2 gene are rare and have been identified in less than 2% of patients with Mowat-Wilson syndrome (Garavelli et al., 2009). The majority of in silico algorithms predict that His159Gln may be damaging to the structure/function of the protein. Therefore, based on the currently available information, it is unclear whether His159Gln is a disease-causing mutation or a rare benign variant. The variant is found in INFANT-EPI panel(s).